The following is an entry in ClinVar:

ClinVar aggregate classification (germline): Uncertain significance (1 of 4 stars; one submission).

Conditions:
Myoclonic dystonia 11 (DYT11). Also called: DYT-SGCE; Myoclonic dystonia; Dystonia 11; Dystonia, alcohol responsive; Hereditary essential myoclonus; SGCE Myoclonus-Dystonia. Identifiers: Orphanet 36899, MedGen C1834570, MONDO:0008044, OMIM 159900.

Submission:

Labcorp Genetics (formerly Invitae), Labcorp
Classification: Uncertain significance for Myoclonic dystonia 11. Last evaluated: 2026-01-05. Review status: criteria provided, single submitter. Criteria: Invitae Variant Classification Sherloc (09022015). Collection method: clinical testing. Allele origin: germline.
Comment: This sequence change replaces valine, which is neutral and non-polar, with isoleucine, which is neutral and non-polar, at codon 359 of the SGCE protein (p.Val359Ile). This variant is not present in population databases (gnomAD no frequency). This variant has not been reported in the literature in individuals affected with SGCE-related conditions. ClinVar contains an entry for this variant (Variation ID: 2045375). Invitae Evidence Modeling of protein sequence and biophysical properties (such as structural, functional, and spatial information, amino acid conservation, physicochemical variation, residue mobility, and thermodynamic stability) indicates that this missense variant is not expected to disrupt SGCE protein function with a negative predictive value of 80%. In summary, the available evidence is currently insufficient to determine the role of this variant in disease. Therefore, it has been classified as a Variant of Uncertain Significance.

NM_003919.3(SGCE):c.1075G>A (p.Val359Ile)

Genes: CASD1 (CAS1 domain sialic acid O acetyltransferase 1; plus strand), SGCE (sarcoglycan epsilon; minus strand). Cytogenetic location: 7q21.3.
Variant type: single nucleotide variant.
Coding change: c.1075G>A on transcript NM_003919.3 (MANE Select); coding-DNA position 1075, G replaced by A.
Protein change: p.Val359Ile; replaces valine 359 with isoleucine.
Molecular consequence: missense variant.
Genome position (GRCh38, 1-based): chr7:94,598,953, C>T on the plus strand (G>A on the coding strand, the complement: SGCE is on the minus strand). VCF-style: chr7-94598953-C-T. GRCh37 (hg19) VCF-style: chr7-94228265-C-T.
Other names: c.1048G>A, p.Val350Ile (NM_001099400.2, NM_001346717.2); c.1075G>A, p.Val359Ile (NM_001099401.2); c.952G>A, p.Val318Ile (NM_001301139.2); c.1183G>A, p.Val395Ile (NM_001346713.2); c.1156G>A, p.Val386Ile (NM_001346715.2); c.988G>A, p.Val330Ile (NM_001346719.2); c.802G>A, p.Val268Ile (NM_001346720.2); c.961G>A, p.Val321Ile (NM_001362807.2); and 2 more; short protein forms V386I, V259I, V268I, V318I, V330I, V350I, V359I, V309I.
Identifiers: ClinVar variation 2045375 (VCV002045375.4), dbSNP rs2484924397, ClinGen allele CA368229401.